The following is an entry in ClinVar:

ClinVar aggregate classification (germline): Uncertain significance (1 of 4 stars; one submission).

Submission:

GeneDx
Classification: Uncertain significance. Last evaluated: 2025-01-30. Review status: criteria provided, single submitter. Criteria: GeneDx Variant Classification Process June 2021. Collection method: clinical testing. Allele origin: germline. Affected: yes.
Comment: Not observed at significant frequency in large population cohorts (gnomAD); In silico analysis supports that this missense variant has a deleterious effect on protein structure/function; Has not been previously published as pathogenic or benign to our knowledge

NM_001042750.2(STAG2):c.113G>T (p.Gly38Val)

Gene: STAG2 (STAG2 cohesin complex component; plus strand). Cytogenetic location: Xq25.
Variant type: single nucleotide variant.
Coding change: c.113G>T on transcript NM_001042750.2 (MANE Select); coding-DNA position 113, G replaced by T.
Protein change: p.Gly38Val; replaces glycine 38 with valine.
Molecular consequence: missense variant.
Genome position (GRCh38, 1-based): chrX:124,025,908, G>T. VCF-style: chrX-124025908-G-T. GRCh37 (hg19) VCF-style: chrX-123159758-G-T.
Other names: c.113G>T, p.Gly38Val (NM_001042749.2, NM_001042751.2, NM_001282418.2 and 13 more transcripts); short protein forms G38V.
Identifiers: ClinVar variation 4072766 (VCV004072766.1).